The following is an entry in ClinVar:

ClinVar aggregate classification (germline): Pathogenic. Review status: criteria provided, multiple submitters, no conflicts (2 of 4 stars). 2 submissions from 2 submitters: Pathogenic (2). Last evaluated 2025-07-25.

Conditions:
Cerebral cavernous malformation 2. Also called: Familial Cerebral Cavernous Malformation 2. Identifiers: Orphanet 221061, MedGen C1864041, MONDO:0011304, OMIM 603284.

Submissions (2):

GeneDx
Classification: Pathogenic. Last evaluated: 2025-07-25. Review status: criteria provided, single submitter. Criteria: GeneDx Variant Classification Process June 2021. Collection method: clinical testing. Allele origin: germline.
Comment: Canonical splice site variant predicted to result in a null allele in a gene for which loss of function is a known mechanism of disease; Not observed at significant frequency in large population cohorts (gnomAD); This variant is associated with the following publications: (PMID: 34357553)

Labcorp Genetics (formerly Invitae), Labcorp
Classification: Pathogenic for Cerebral cavernous malformation 2. Last evaluated: 2025-01-12. Review status: criteria provided, single submitter. Criteria: Invitae Variant Classification Sherloc (09022015). Collection method: clinical testing. Allele origin: germline.
Comment: This sequence change affects a donor splice site in intron 6 of the CCM2 gene. It is expected to disrupt RNA splicing. Variants that disrupt the donor or acceptor splice site typically lead to a loss of protein function (PMID: 16199547), and loss-of-function variants in CCM2 are known to be pathogenic (PMID: 18300272, 24689081). This variant is not present in population databases (gnomAD no frequency). Disruption of this splice site has been observed in individual(s) with cerebral cavernous malformations (PMID: 34357553). Studies have shown that disruption of this splice site is associated with altered splicing resulting in skipping of exon 5 or exons 5-6 (PMID: 34357553). For these reasons, this variant has been classified as Pathogenic.

Literature cited by the submitters: PubMed 16199547 (cited by Labcorp Genetics (formerly Invitae), Labcorp); PubMed 18300272 (cited by Labcorp Genetics (formerly Invitae), Labcorp); PubMed 24689081 (cited by Labcorp Genetics (formerly Invitae), Labcorp); PubMed 34357553 (cited by Labcorp Genetics (formerly Invitae), Labcorp).

NM_031443.4(CCM2):c.745+1G>T

Gene: CCM2 (CCM2 scaffold protein; plus strand). Cytogenetic location: 7p13.
Variant type: single nucleotide variant.
Coding change: c.745+1G>T on transcript NM_031443.4 (MANE Select); the canonical splice donor site of the intron after coding-DNA position 745, G replaced by T.
Molecular consequence: splice donor variant. On other transcripts: intron variant (1).
Genome position (GRCh38, 1-based): chr7:45,069,962, G>T. VCF-style: chr7-45069962-G-T. GRCh37 (hg19) VCF-style: chr7-45109561-G-T.
Other names: c.745+1G>T (NM_001363458.2); c.473-2764G>T (NM_001167935.2); c.571+1G>T (NM_001363459.2, NM_001167934.2); c.808+1G>T (NM_001029835.2).
Identifiers: ClinVar variation 3724230 (VCV003724230.4).
Genomic context (GRCh38, chr7:45,069,962, plus strand): 5'-TGGACAGAGCGATATTTGATGGGGCCTCTACCCCGACCCACCACCTGTCCCTGCACAGCG[G>T]TATGTTGAGTGAGAGTGGGCAGCGGGTGGGAGCAGGGACAGGAGGGGCTACTGCAGTGGC-3'